The following is an entry in ClinVar:

ClinVar aggregate classification (germline): Uncertain significance (1 of 4 stars; one submission).

Conditions:
PKD1-related disorder. Also called: PKD1-related condition.

Submission:

PreventionGenetics, part of Exact Sciences
Classification: Uncertain significance for PKD1-related condition. Last evaluated: 2026-02-02. Review status: criteria provided, single submitter. Criteria: ACMG Guidelines, 2015. Collection method: clinical testing. Allele origin: germline.
Comment: The PKD1 c.11355G>C variant is predicted to result in the amino acid substitution p.Trp3785Cys. To our knowledge, this variant has not been reported in the literature or in a large population database (gnomAD), indicating this variant is rare. Of note, different rare substitutions at the same codon have been reported in individuals with autosomal dominant polycystic kidney disease (ADPKD) (p.Trp3785Arg in Supplemental Table 1 of Xu et al. 2024. PubMed ID: 38527221; p.Trp3785Ser in Table S5 of Carrera et al. 2016. PubMed ID: 27499327). Although we suspect that the c.11355G>C (p.Trp3785Cys) variant may be pathogenic, at this time, the clinical significance of this variant is uncertain due to the absence of conclusive functional and genetic evidence.

NM_001009944.3(PKD1):c.11355G>C (p.Trp3785Cys)

Genes: PKD1 (polycystin 1, transient receptor potential channel interacting; minus strand), PKD1-AS1 (PKD1 antisense RNA 1; plus strand). Cytogenetic location: 16p13.3.
Variant type: single nucleotide variant.
Coding change: c.11355G>C on transcript NM_001009944.3 (MANE Select); coding-DNA position 11355, G replaced by C.
Protein change: p.Trp3785Cys; replaces tryptophan 3785 with cysteine.
Molecular consequence: missense variant.
Genome position (GRCh38, 1-based): chr16:2,092,103, C>G on the plus strand (G>C on the coding strand, the complement: PKD1 is on the minus strand). VCF-style: chr16-2092103-C-G. GRCh37 (hg19) VCF-style: chr16-2142104-C-G.
Other names: c.11352G>C, p.Trp3784Cys (NM_000296.4); short protein forms W3784C, W3785C.
Identifiers: ClinVar variation 4991785 (VCV004991785.1).